The following is an entry in ClinVar:

ClinVar aggregate classification (germline): Uncertain significance (1 of 4 stars; one submission).

Conditions:
Immunodeficiency, common variable, 2 (CVID2). Also called: ANTIBODY DEFICIENCY DUE TO TACI DEFECT; HYPOGAMMAGLOBULINEMIA DUE TO TACI DEFICIENCY. Identifiers: Orphanet 1572, MedGen C3150354, MONDO:0009413, OMIM 240500.

Submission:

Labcorp Genetics (formerly Invitae), Labcorp
Classification: Uncertain significance for Immunodeficiency, common variable, 2. Last evaluated: 2024-02-24. Review status: criteria provided, single submitter. Criteria: Invitae Variant Classification Sherloc (09022015). Collection method: clinical testing. Allele origin: germline.
Comment: This sequence change replaces arginine, which is basic and polar, with glycine, which is neutral and non-polar, at codon 189 of the TNFRSF13B protein (p.Arg189Gly). This variant is not present in population databases (gnomAD no frequency). This variant has not been reported in the literature in individuals affected with TNFRSF13B-related conditions. ClinVar contains an entry for this variant (Variation ID: 1463220). Advanced modeling of protein sequence and biophysical properties (such as structural, functional, and spatial information, amino acid conservation, physicochemical variation, residue mobility, and thermodynamic stability) has been performed at Invitae for this missense variant, however the output from this modeling did not meet the statistical confidence thresholds required to predict the impact of this variant on TNFRSF13B protein function. In summary, the available evidence is currently insufficient to determine the role of this variant in disease. Therefore, it has been classified as a Variant of Uncertain Significance.

NM_012452.3(TNFRSF13B):c.565A>G (p.Arg189Gly)

Gene: TNFRSF13B (TNF receptor superfamily member 13B; minus strand). Cytogenetic location: 17p11.2.
Variant type: single nucleotide variant.
Coding change: c.565A>G on transcript NM_012452.3 (MANE Select); coding-DNA position 565, A replaced by G.
Protein change: p.Arg189Gly; replaces arginine 189 with glycine.
Molecular consequence: missense variant.
Genome position (GRCh38, 1-based): chr17:16,940,392, T>C on the plus strand (A>G on the coding strand, the complement: TNFRSF13B is on the minus strand). VCF-style: chr17-16940392-T-C. GRCh37 (hg19) VCF-style: chr17-16843706-T-C.
Other names: short protein forms R189G.
Identifiers: ClinVar variation 1463220 (VCV001463220.8), dbSNP rs2087500977, ClinGen allele CA398519487.
Genomic context (GRCh38, chr17:16,940,392, plus strand): 5'-AAGACTTGGCCGGACTTTGACGGGGCCTTGAGCGGGGCTGGCAGGAGCAGGGATCCCCCC[T>C]CTTCTTGAGGAAGCAGGCCACCGCCACCAGGAAGCAGCAGAGGACGGCACACAGGCAGAG-3'
Protein context (NP_036584.1, residues 179-199): LVAVACFLKK[Arg189Gly]GDPCSCQPRS